The following is an entry in ClinVar:

NM_032607.3(CREB3L3):c.995C>A (p.Ala332Asp)

Gene: CREB3L3 (cAMP responsive element binding protein 3 like 3; plus strand). Cytogenetic location: 19p13.3.
Variant type: single nucleotide variant.
Coding change: c.995C>A on transcript NM_032607.3 (MANE Select); coding-DNA position 995, C replaced by A.
Protein change: p.Ala332Asp; replaces alanine 332 with aspartic acid.
Molecular consequence: missense variant. On other transcripts: nonsense (1).
Genome position (GRCh38, 1-based): chr19:4,171,402, C>A. VCF-style: chr19-4171402-C-A. GRCh37 (hg19) VCF-style: chr19-4171399-C-A.
Other names: c.992C>A, p.Ala331Asp (NM_001271995.2); c.989C>A, p.Ala330Asp (NM_001271996.2); c.888C>A, p.Cys296Ter (NM_001271997.2); short protein forms A332D, A330D, A331D, C296*.
Identifiers: ClinVar variation 4988061 (VCV004988061.1).
Genomic context (GRCh38, chr19:4,171,402, plus strand): 5'-GGAGGGGAGGGAGGGGGTGACTCTGCCGCTGTCTCCACCAGGTCCTGTTGCTGTCCTTTG[C>A]CCTCATCATCCTCCCCTCCATCAGCCCTTTTGGCCCCAACAAAACCGAGAGCCCTGGGGA-3'
Protein context (NP_115996.1, residues 322-342): TCVAVLLLSF[Ala332Asp]LIILPSISPF

ClinVar aggregate classification (germline): Uncertain significance (1 of 4 stars; one submission).

Conditions:
CREB3L3-related disorder. Also called: CREB3L3-related condition.

gnomAD v4.1: 17 of 1,614,036 alleles (0.0011%); highest among the groups gnomAD compares: Non-Finnish European, 0.0013%; no homozygotes.

Submission:

PreventionGenetics, part of Exact Sciences
Classification: Uncertain significance for CREB3L3-related condition. Last evaluated: 2026-08-19. Review status: criteria provided, single submitter. Criteria: ACMG Guidelines, 2015. Collection method: clinical testing. Allele origin: germline.
Comment: The CREB3L3 c.888C>A variant is predicted to result in premature protein termination (p.Cys296*). This variant has been reported with the double heterozygosity of a pathogenic APOA5 variant in an individual with severe hypertriglyceridemia (Wójcik et al. 2018. PubMed ID: 29954705). This variant has also been reported in a cohort study of dyslipidemias (Described as c.995C>A p.Ala332Asp using NM_032607.2, Table S4, Dron et al. 2020. PubMed ID: 32041611). This variant is reported in 0.0046% of alleles in individuals of European (Finnish) descent in gnomAD. Although we suspect that this variant may be pathogenic, at this time, the clinical significance of this variant is uncertain due to the absence of conclusive functional and genetic evidence.